The following is an entry in ClinVar:

NM_000020.3(ACVRL1):c.1007T>A (p.Val336Glu)

Gene: ACVRL1 (activin A receptor like type 1; plus strand). Cytogenetic location: 12q13.13.
Variant type: single nucleotide variant.
Coding change: c.1007T>A on transcript NM_000020.3 (MANE Select); coding-DNA position 1007, T replaced by A.
Protein change: p.Val336Glu; replaces valine 336 with glutamic acid.
Molecular consequence: missense variant.
Genome position (GRCh38, 1-based): chr12:51,915,459, T>A. VCF-style: chr12-51915459-T-A. GRCh37 (hg19) VCF-style: chr12-52309243-T-A.
Other names: c.1007T>A, p.Val336Glu (NM_001077401.2); short protein forms V336E.
Identifiers: ClinVar variation 574660 (VCV000574660.8), dbSNP rs1565594467, ClinGen allele CA384901612.

ClinVar aggregate classification (germline): Likely pathogenic (1 of 4 stars; one submission).

Conditions:
Telangiectasia, hereditary hemorrhagic, type 2 (HHT2). Also called: ACVRL1-Related Hereditary Hemorrhagic Telangiectasia; Telangiectasia, hereditary hemorrhagic, type II. Identifiers: Orphanet 774, MedGen C1838163, MONDO:0010880, OMIM 600376. Disease mechanism: loss of function.

Submission:

Labcorp Genetics (formerly Invitae), Labcorp
Classification: Likely pathogenic for Telangiectasia, hereditary hemorrhagic, type 2. Last evaluated: 2023-11-14. Review status: criteria provided, single submitter. Criteria: Invitae Variant Classification Sherloc (09022015). Collection method: clinical testing. Allele origin: germline.
Comment: This sequence change replaces valine, which is neutral and non-polar, with glutamic acid, which is acidic and polar, at codon 336 of the ACVRL1 protein (p.Val336Glu). This variant is not present in population databases (gnomAD no frequency). This missense change has been observed in individual(s) with clinical features of hereditary hemorrhagic telangiectasia (Invitae). ClinVar contains an entry for this variant (Variation ID: 574660). Advanced modeling of protein sequence and biophysical properties (such as structural, functional, and spatial information, amino acid conservation, physicochemical variation, residue mobility, and thermodynamic stability) performed at Invitae indicates that this missense variant is expected to disrupt ACVRL1 protein function with a positive predictive value of 95%. In summary, the currently available evidence indicates that the variant is pathogenic, but additional data are needed to prove that conclusively. Therefore, this variant has been classified as Likely Pathogenic.